The following is an entry in ClinVar:

NM_001080421.3(UNC13A):c.622A>G (p.Ser208Gly)

Gene: UNC13A (unc-13 homolog A; minus strand). Cytogenetic location: 19p13.11.
Variant type: single nucleotide variant.
Coding change: c.622A>G on transcript NM_001080421.3 (MANE Select); coding-DNA position 622, A replaced by G.
Protein change: p.Ser208Gly; replaces serine 208 with glycine.
Molecular consequence: missense variant.
Genome position (GRCh38, 1-based): chr19:17,658,207, T>C on the plus strand (A>G on the coding strand, the complement: UNC13A is on the minus strand). VCF-style: chr19-17658207-T-C. GRCh37 (hg19) VCF-style: chr19-17769016-T-C.
Other names: c.622A>G, p.Ser208Gly (NM_001387021.1, NM_001387022.1, NM_001387023.1); short protein forms S208G.
Identifiers: ClinVar variation 2400605 (VCV002400605.3), dbSNP rs201614698, ClinGen allele CA9298700.

ClinVar aggregate classification (germline): Uncertain significance. Review status: criteria provided, multiple submitters, no conflicts (2 of 4 stars). 2 submissions from 2 submitters: Uncertain significance (2). Last evaluated 2023-05-11.

Conditions:
UNC13A-related disorder. Also called: UNC13A-related condition.

Allele frequency attached by ClinVar (database versions not stated): gnomAD 0.00001; TOPMed 0.00003.
gnomAD v4.1: 16 of 1,613,852 alleles (0.00099%); highest among the groups gnomAD compares: Admixed American, 0.023%; no homozygotes.

Submissions (2):

PreventionGenetics, part of Exact Sciences
Classification: Uncertain significance for UNC13A-related condition. Last evaluated: 2023-05-11. Review status: criteria provided, single submitter. Criteria: ACMG Guidelines, 2015. Collection method: clinical testing. Allele origin: germline.
Comment: The UNC13A c.622A>G variant is predicted to result in the amino acid substitution p.Ser208Gly. To our knowledge, this variant has not been reported in the literature. This variant is reported in 0.023% of alleles in individuals of Latino descent in gnomAD. At this time, the clinical significance of this variant is uncertain due to the absence of conclusive functional and genetic evidence.

Ambry Genetics
Classification: Uncertain significance. Last evaluated: 2021-10-18. Review status: criteria provided, single submitter. Criteria: Ambry Variant Classification Scheme 2023. Collection method: clinical testing. Allele origin: germline.